The following is an entry in ClinVar:

ClinVar aggregate classification (germline): Benign. Review status: criteria provided, multiple submitters, no conflicts (2 of 4 stars). 2 submissions from 2 submitters: Benign (2). Last evaluated 2018-06-14.

Allele frequency attached by ClinVar (database versions not stated): 1000 Genomes Project 30x 0.82620; 1000 Genomes Project 0.82947; TOPMed 0.87468; gnomAD 0.89003 and 0.89237.
gnomAD v4.1: 1,373,829 of 1,480,424 alleles (93%); highest among the groups gnomAD compares: Non-Finnish European, 96%; 640,452 homozygotes.

Submissions (2):

GeneDx
Classification: Benign. Last evaluated: 2018-06-14. Review status: criteria provided, single submitter. Criteria: GeneDx Variant Classification (06012015). Collection method: clinical testing. Allele origin: germline. Affected: yes.
Comment: This variant is considered likely benign or benign based on one or more of the following criteria: it is a conservative change, it occurs at a poorly conserved position in the protein, it is predicted to be benign by multiple in silico algorithms, and/or has population frequency not consistent with disease.

Breakthrough Genomics
Classification: Benign. Review status: criteria provided, single submitter. Criteria: ACMG Guidelines, 2015. Collection method: not provided. Allele origin: germline. Inheritance: Autosomal dominant inheritance. Affected: yes.

NM_000393.5(COL5A2):c.1977+85G>C

Gene: COL5A2 (collagen type V alpha 2 chain; minus strand). Cytogenetic location: 2q32.2.
Variant type: single nucleotide variant.
Coding change: c.1977+85G>C on transcript NM_000393.5 (MANE Select); 85 bases into the intron after coding-DNA position 1977, G replaced by C.
Molecular consequence: intron variant.
Genome position (GRCh38, 1-based): chr2:189,062,780, C>G on the plus strand (G>C on the coding strand, the complement: COL5A2 is on the minus strand). VCF-style: chr2-189062780-C-G. GRCh37 (hg19) VCF-style: chr2-189927506-C-G.
Identifiers: ClinVar variation 670984 (VCV000670984.2), dbSNP rs7424947, ClinGen allele CA62601077.